The following is an entry in ClinVar:

ClinVar aggregate classification (germline): Uncertain significance (1 of 4 stars; one submission).

Allele frequency attached by ClinVar (database versions not stated): TOPMed below 0.00001; gnomAD 0.00001.
gnomAD v4.1: 8 of 1,613,726 alleles (0.0005%); highest among the groups gnomAD compares: Admixed American, 0.0017%; no homozygotes.

Submission:

Labcorp Genetics (formerly Invitae), Labcorp
Classification: Uncertain significance. Last evaluated: 2022-08-23. Review status: criteria provided, single submitter. Criteria: Invitae Variant Classification Sherloc (09022015). Collection method: clinical testing. Allele origin: germline.
Comment: In summary, the available evidence is currently insufficient to determine the role of this variant in disease. Therefore, it has been classified as a Variant of Uncertain Significance. Algorithms developed to predict the effect of missense changes on protein structure and function (SIFT, PolyPhen-2, Align-GVGD) all suggest that this variant is likely to be disruptive. This variant has not been reported in the literature in individuals affected with ZNF335-related conditions. This variant is present in population databases (no rsID available, gnomAD 0.003%). This sequence change replaces alanine, which is neutral and non-polar, with valine, which is neutral and non-polar, at codon 1293 of the ZNF335 protein (p.Ala1293Val).

NM_022095.4(ZNF335):c.3878C>T (p.Ala1293Val)

Gene: ZNF335 (zinc finger protein 335; minus strand). Cytogenetic location: 20q13.12.
Variant type: single nucleotide variant.
Coding change: c.3878C>T on transcript NM_022095.4 (MANE Select); coding-DNA position 3878, C replaced by T.
Protein change: p.Ala1293Val; replaces alanine 1293 with valine.
Molecular consequence: missense variant.
Genome position (GRCh38, 1-based): chr20:45,949,193, G>A on the plus strand (C>T on the coding strand, the complement: ZNF335 is on the minus strand). VCF-style: chr20-45949193-G-A. GRCh37 (hg19) VCF-style: chr20-44577832-G-A.
Other names: short protein forms A1293V.
Identifiers: ClinVar variation 2074301 (VCV002074301.4), dbSNP rs1426731507, ClinGen allele CA409233030.
Genomic context (GRCh38, chr20:45,949,193, plus strand): 5'-TACCCAGCCCCATGCTCCTCAGGATCCAGCTCCATACCTGTGACAGCTGAGTGTGCTGCA[G>A]CCTCAAGTTGAGCCTGTGTGACAAGCTGCTGGCCTGGGGACACAGGCACATACTGGATCT-3'
Protein context (NP_071378.1, residues 1283-1303): QQLVTQAQLE[Ala1293Val]AAHSAVTAVA